The following is an entry in ClinVar:

NM_018136.5(ASPM):c.7235C>A (p.Thr2412Asn)

Gene: ASPM (assembly factor for spindle microtubules; minus strand). Cytogenetic location: 1q31.3.
Variant type: single nucleotide variant.
Coding change: c.7235C>A on transcript NM_018136.5 (MANE Select); coding-DNA position 7235, C replaced by A.
Protein change: p.Thr2412Asn; replaces threonine 2412 with asparagine.
Molecular consequence: missense variant. On other transcripts: intron variant (1).
Genome position (GRCh38, 1-based): chr1:197,102,016, G>T on the plus strand (C>A on the coding strand, the complement: ASPM is on the minus strand). VCF-style: chr1-197102016-G-T. GRCh37 (hg19) VCF-style: chr1-197071146-G-T.
Other names: c.4066-5852C>A (NM_001206846.2); c.7235C>A (NM_018136.4); short protein forms T2412N.
Identifiers: ClinVar variation 1519845 (VCV001519845.8), dbSNP rs376686304, ClinGen allele CA344019739.

ClinVar aggregate classification (germline): Uncertain significance. Review status: criteria provided, multiple submitters, no conflicts (2 of 4 stars). 3 submissions from 3 submitters: Uncertain significance (3). Last evaluated 2025-03-08.

Conditions:
Inborn genetic diseases. Identifiers: MedGen C0950123, MeSH D030342.
Microcephaly 5, primary, autosomal recessive (MCPH5). Also called: ASPM Primary Microcephaly. Identifiers: Orphanet 2512, MedGen C1837501, MONDO:0012106, OMIM 608716.

Allele frequency attached by ClinVar (database versions not stated): gnomAD exomes below 0.00001; TOPMed 0.00002.
gnomAD v4.1: 5 of 1,612,930 alleles (0.00031%); highest among the groups gnomAD compares: Non-Finnish European, 0.00042%; no homozygotes.

Submissions (3):

Ambry Genetics
Classification: Uncertain significance for Inborn genetic diseases. Last evaluated: 2025-03-08. Review status: criteria provided, single submitter. Criteria: Ambry Variant Classification Scheme 2023. Collection method: clinical testing. Allele origin: germline.

Genome-Nilou Lab
Classification: Uncertain significance for Microcephaly 5, primary, autosomal recessive. Last evaluated: 2023-04-11. Review status: criteria provided, single submitter. Criteria: ACMG Guidelines, 2015. Collection method: clinical testing. Allele origin: germline. Affected: no.

Labcorp Genetics (formerly Invitae), Labcorp
Classification: Uncertain significance. Last evaluated: 2022-06-04. Review status: criteria provided, single submitter. Criteria: Invitae Variant Classification Sherloc (09022015). Collection method: clinical testing. Allele origin: germline.
Comment: This sequence change replaces threonine, which is neutral and polar, with asparagine, which is neutral and polar, at codon 2412 of the ASPM protein (p.Thr2412Asn). This variant is present in population databases (no rsID available, gnomAD 0.0009%). This variant has not been reported in the literature in individuals affected with ASPM-related conditions. ClinVar contains an entry for this variant (Variation ID: 1519845). Algorithms developed to predict the effect of missense changes on protein structure and function are either unavailable or do not agree on the potential impact of this missense change (SIFT: "Tolerated"; PolyPhen-2: "Possibly Damaging"; Align-GVGD: "Class C0"). In summary, the available evidence is currently insufficient to determine the role of this variant in disease. Therefore, it has been classified as a Variant of Uncertain Significance.